The following is an entry in ClinVar:

ClinVar aggregate classification (germline): Uncertain significance (1 of 4 stars; one submission).

Submission:

Labcorp Genetics (formerly Invitae), Labcorp
Classification: Uncertain significance. Last evaluated: 2024-10-28. Review status: criteria provided, single submitter. Criteria: Invitae Variant Classification Sherloc (09022015). Collection method: clinical testing. Allele origin: germline.
Comment: This sequence change replaces asparagine with histidine at codon 25 of the TANGO2 protein (p.Asn25His). The asparagine residue is highly conserved and there is a small physicochemical difference between asparagine and histidine. This variant is not present in population databases (gnomAD no frequency). This variant has not been reported in the literature in individuals affected with TANGO2-related conditions. ClinVar contains an entry for this variant (Variation ID: 1511940). An algorithm developed to predict the effect of missense changes on protein structure and function (PolyPhen-2) suggests that this variant is likely to be disruptive. In summary, the available evidence is currently insufficient to determine the role of this variant in disease. Therefore, it has been classified as a Variant of Uncertain Significance.

NM_152906.7(TANGO2):c.73A>C (p.Asn25His)

Gene: TANGO2 (transport and golgi organization 2 homolog; plus strand). Cytogenetic location: 22q11.21.
Variant type: single nucleotide variant.
Coding change: c.73A>C on transcript NM_152906.7 (MANE Select); coding-DNA position 73, A replaced by C.
Protein change: p.Asn25His; replaces asparagine 25 with histidine.
Molecular consequence: missense variant. On other transcripts: 5 prime UTR variant (12), non-coding transcript variant (5).
Genome position (GRCh38, 1-based): chr22:20,043,371, A>C. VCF-style: chr22-20043371-A-C. GRCh37 (hg19) VCF-style: chr22-20030894-A-C.
Other names: c.73A>C, p.Asn25His (NM_001283106.3, NM_001283116.3, NM_001283148.3 and 10 more transcripts); c.196A>C, p.Asn66His (NM_001283129.3, NM_001283215.3, NM_001322141.2 and 5 more transcripts); c.-107A>C (NM_001283235.3, NM_001322146.2, NM_001322148.2 and 9 more transcripts); short protein forms N25H, N66H.
Identifiers: ClinVar variation 1511940 (VCV001511940.6), dbSNP rs2147243578, ClinGen allele CA410692865.